The following is an entry in ClinVar:

NM_033118.4(MYLK2):c.973-74G>A

Gene: MYLK2 (myosin light chain kinase 2; plus strand). Cytogenetic location: 20q11.21.
Variant type: single nucleotide variant.
Coding change: c.973-74G>A on transcript NM_033118.4 (MANE Select); 74 bases into the intron before coding-DNA position 973, G replaced by A.
Molecular consequence: intron variant.
Genome position (GRCh38, 1-based): chr20:31,826,531, G>A. VCF-style: chr20-31826531-G-A. GRCh37 (hg19) VCF-style: chr20-30414334-G-A.
Identifiers: ClinVar variation 671501 (VCV000671501.2), dbSNP rs11907651, ClinGen allele CA313851285.
Genomic context (GRCh38, chr20:31,826,531, plus strand): 5'-AGAGGAGAGGCAAGGAGGAGGCTGAGCAGTGATCTGGGCAAGGCTAGCAGGCCTGTTCAA[G>A]GGTGCGGGTATGGAGGGTGGGTGGCAGGGAGTGATGGTGCCCAGCTGGTACCCTTGACTT-3'

ClinVar aggregate classification (germline): Benign. Review status: criteria provided, multiple submitters, no conflicts (2 of 4 stars). 2 submissions from 2 submitters: Benign (2). Last evaluated 2018-06-19.

Allele frequency attached by ClinVar (database versions not stated): gnomAD exomes 0.07134; 1000 Genomes Project 0.07208; 1000 Genomes Project 30x 0.07370; gnomAD 0.08741 and 0.09124; TOPMed 0.09002.
gnomAD v4.1: 116,585 of 1,596,636 alleles (7.3%); highest among the groups gnomAD compares: African/African-American, 14%; 4,744 homozygotes.

Submissions (2):

GeneDx
Classification: Benign. Last evaluated: 2018-06-19. Review status: criteria provided, single submitter. Criteria: GeneDx Variant Classification (06012015). Collection method: clinical testing. Allele origin: germline. Affected: yes.
Comment: This variant is considered likely benign or benign based on one or more of the following criteria: it is a conservative change, it occurs at a poorly conserved position in the protein, it is predicted to be benign by multiple in silico algorithms, and/or has population frequency not consistent with disease.

Breakthrough Genomics
Classification: Benign. Review status: criteria provided, single submitter. Criteria: ACMG Guidelines, 2015. Collection method: not provided. Allele origin: germline. Inheritance: Autosomal dominant inheritance. Affected: yes.